The following is an entry in ClinVar:

NM_001098671.2(RASGRP2):c.830C>T (p.Thr277Met)

Gene: RASGRP2 (RAS guanyl releasing protein 2; minus strand). Cytogenetic location: 11q13.1.
Variant type: single nucleotide variant.
Coding change: c.830C>T on transcript NM_001098671.2 (MANE Select); coding-DNA position 830, C replaced by T.
Protein change: p.Thr277Met; replaces threonine 277 with methionine.
Molecular consequence: missense variant.
Genome position (GRCh38, 1-based): chr11:64,737,018, G>A on the plus strand (C>T on the coding strand, the complement: RASGRP2 is on the minus strand). VCF-style: chr11-64737018-G-A. GRCh37 (hg19) VCF-style: chr11-64504490-G-A.
Other names: c.830C>T, p.Thr277Met (NM_001098670.2, NM_153819.2); c.395C>T, p.Thr132Met (NM_001318398.2); short protein forms T277M, T132M.
Identifiers: ClinVar variation 1925276 (VCV001925276.5), dbSNP rs757719823, ClinGen allele CA6079101.

ClinVar aggregate classification (germline): Uncertain significance (1 of 4 stars; one submission).

Allele frequency attached by ClinVar (database versions not stated): TOPMed 0.00002; gnomAD 0.00003; gnomAD exomes 0.00004; ExAC 0.00005.
gnomAD v4.1: 57 of 1,613,722 alleles (0.0035%); highest among the groups gnomAD compares: East Asian, 0.0089%; no homozygotes.

Submission:

Labcorp Genetics (formerly Invitae), Labcorp
Classification: Uncertain significance. Last evaluated: 2022-07-30. Review status: criteria provided, single submitter. Criteria: Invitae Variant Classification Sherloc (09022015). Collection method: clinical testing. Allele origin: germline.
Comment: In summary, the available evidence is currently insufficient to determine the role of this variant in disease. Therefore, it has been classified as a Variant of Uncertain Significance. This sequence change replaces threonine, which is neutral and polar, with methionine, which is neutral and non-polar, at codon 277 of the RASGRP2 protein (p.Thr277Met). This variant is present in population databases (rs757719823, gnomAD 0.01%). This variant has not been reported in the literature in individuals affected with RASGRP2-related conditions. Algorithms developed to predict the effect of missense changes on protein structure and function are either unavailable or do not agree on the potential impact of this missense change (SIFT: "Deleterious"; PolyPhen-2: "Possibly Damaging"; Align-GVGD: "Class C0").